The following is an entry in ClinVar:

NM_001379500.1(COL18A1):c.2753C>T (p.Ala918Val)

Genes: COL18A1 (collagen type XVIII alpha 1 chain; plus strand), SLC19A1 (solute carrier family 19 member 1; minus strand). Cytogenetic location: 21q22.3.
Variant type: single nucleotide variant.
Coding change: c.2753C>T on transcript NM_001379500.1 (MANE Select); coding-DNA position 2753, C replaced by T.
Protein change: p.Ala918Val; replaces alanine 918 with valine.
Molecular consequence: missense variant.
Genome position (GRCh38, 1-based): chr21:45,504,441, C>T. VCF-style: chr21-45504441-C-T. GRCh37 (hg19) VCF-style: chr21-46924355-C-T.
Other names: c.3293C>T, p.Ala1098Val (NM_030582.4); c.3998C>T, p.Ala1333Val (NM_130444.3); short protein forms A1333V, A1098V, A918V.
Identifiers: ClinVar variation 2064988 (VCV002064988.4), dbSNP rs2037058211, ClinGen allele CA410499140.

ClinVar aggregate classification (germline): Uncertain significance (1 of 4 stars; one submission).

Allele frequency attached by ClinVar (database versions not stated): gnomAD exomes below 0.00001.
gnomAD v4.1: 2 of 1,611,614 alleles (0.00012%); highest among the groups gnomAD compares: Non-Finnish European, 0.00017%; no homozygotes.

Submission:

Labcorp Genetics (formerly Invitae), Labcorp
Classification: Uncertain significance. Last evaluated: 2021-12-29. Review status: criteria provided, single submitter. Criteria: Invitae Variant Classification Sherloc (09022015). Collection method: clinical testing. Allele origin: germline.
Comment: In summary, the available evidence is currently insufficient to determine the role of this variant in disease. Therefore, it has been classified as a Variant of Uncertain Significance. Experimental studies and prediction algorithms are not available or were not evaluated, and the functional significance of this variant is currently unknown. This variant has not been reported in the literature in individuals affected with COL18A1-related conditions. This variant is not present in population databases (gnomAD no frequency). This sequence change replaces alanine, which is neutral and non-polar, with valine, which is neutral and non-polar, at codon 918 of the COL18A1 protein (p.Ala918Val).